The following is an entry in ClinVar:

NM_001844.5(COL2A1):c.1544G>A (p.Arg515His)

Gene: COL2A1 (collagen type II alpha 1 chain; minus strand). Cytogenetic location: 12q13.11.
Variant type: single nucleotide variant.
Coding change: c.1544G>A on transcript NM_001844.5 (MANE Select); coding-DNA position 1544, G replaced by A.
Protein change: p.Arg515His; replaces arginine 515 with histidine.
Molecular consequence: missense variant.
Genome position (GRCh38, 1-based): chr12:47,985,949, C>T on the plus strand (G>A on the coding strand, the complement: COL2A1 is on the minus strand). VCF-style: chr12-47985949-C-T. GRCh37 (hg19) VCF-style: chr12-48379732-C-T.
Other names: c.1337G>A, p.Arg446His (NM_033150.3); short protein forms R446H, R515H.
Identifiers: ClinVar variation 1300304 (VCV001300304.6), dbSNP rs1326204674, ClinGen allele CA384552163.

ClinVar aggregate classification (germline): Uncertain significance. Review status: criteria provided, multiple submitters, no conflicts (2 of 4 stars). 2 submissions from 2 submitters: Uncertain significance (2). Last evaluated 2025-06-11.

Allele frequency attached by ClinVar (database versions not stated): gnomAD 0.00001; gnomAD exomes 0.00001; TOPMed 0.00002.
gnomAD v4.1: 16 of 1,551,556 alleles (0.001%); highest among the groups gnomAD compares: Non-Finnish European, 0.0011%; no homozygotes.

Submissions (2):

Labcorp Genetics (formerly Invitae), Labcorp
Classification: Uncertain significance. Last evaluated: 2025-06-11. Review status: criteria provided, single submitter. Criteria: Invitae Variant Classification Sherloc (09022015). Collection method: clinical testing. Allele origin: germline.
Comment: This sequence change replaces arginine, which is basic and polar, with histidine, which is basic and polar, at codon 515 of the COL2A1 protein (p.Arg515His). This variant is present in population databases (no rsID available, gnomAD 0.007%). This variant has not been reported in the literature in individuals affected with COL2A1-related conditions. ClinVar contains an entry for this variant (Variation ID: 1300304). Invitae Evidence Modeling of protein sequence and biophysical properties (such as structural, functional, and spatial information, amino acid conservation, physicochemical variation, residue mobility, and thermodynamic stability) has been performed for this missense variant. However, the output from this modeling did not meet the statistical confidence thresholds required to predict the impact of this variant on COL2A1 protein function. In summary, the available evidence is currently insufficient to determine the role of this variant in disease. Therefore, it has been classified as a Variant of Uncertain Significance.

GeneDx
Classification: Uncertain significance. Last evaluated: 2021-09-20. Review status: criteria provided, single submitter. Criteria: GeneDx Variant Classification Process June 2021. Collection method: clinical testing. Allele origin: germline. Affected: yes.
Comment: Not observed at significant frequency in large population cohorts (Lek et al., 2016); Has not been previously published as pathogenic or benign to our knowledge; In silico analysis supports that this missense variant has a deleterious effect on protein structure/function; Occurs in the triple helical domain at the Y position in the canonical Gly-X-Y repeat; although this variant may have an effect on normal protein folding and function, missense substitution at the Y position is not a common mechanism of disease